The following is an entry in ClinVar:

NM_000169.3(GLA):c.130T>C (p.Trp44Arg)

Genes: GLA (galactosidase alpha; minus strand), RPL36A-HNRNPH2 (RPL36A-HNRNPH2 readthrough; plus strand). Cytogenetic location: Xq22.1.
Variant type: single nucleotide variant.
Coding change: c.130T>C on transcript NM_000169.3 (MANE Select); coding-DNA position 130, T replaced by C.
Protein change: p.Trp44Arg; replaces tryptophan 44 with arginine.
Molecular consequence: missense variant. On other transcripts: non-coding transcript variant (3), intron variant (2).
Genome position (GRCh38, 1-based): chrX:101,407,774, A>G on the plus strand (T>C on the coding strand, the complement: GLA is on the minus strand). VCF-style: chrX-101407774-A-G. GRCh37 (hg19) VCF-style: chrX-100662762-A-G.
Other names: c.130T>C, p.Trp44Arg (NM_001406747.1, NM_001406748.1, NM_001406749.1); c.301-4162A>G (NM_001199973.2); c.178-4162A>G (NM_001199974.2); short protein forms W44R.
Identifiers: ClinVar variation 4742435 (VCV004742435.1).

ClinVar aggregate classification (germline): Uncertain significance (1 of 4 stars; one submission).

Conditions:
Fabry disease. Also called: Fabry's disease; ALPHA-GALACTOSIDASE A DEFICIENCY; ANDERSON-FABRY DISEASE; CERAMIDE TRIHEXOSIDASE DEFICIENCY; GLA DEFICIENCY; HEREDITARY DYSTOPIC LIPIDOSIS. Identifiers: Orphanet 324, MedGen C0002986, MONDO:0010526, OMIM 301500, HP:0001071. Disease mechanism: Fabry disease is due to inactivating mutations in the X-linked GLA gene resulting in deficiency of the enzyme Alpha Galactosidase-A., loss of function.

Submission:

Labcorp Genetics (formerly Invitae), Labcorp
Classification: Uncertain significance for Fabry disease. Last evaluated: 2025-04-24. Review status: criteria provided, single submitter. Criteria: Invitae Variant Classification Sherloc (09022015). Collection method: clinical testing. Allele origin: germline.
Comment: This sequence change replaces tryptophan, which is neutral and slightly polar, with arginine, which is basic and polar, at codon 44 of the GLA protein (p.Trp44Arg). This variant is not present in population databases (gnomAD no frequency). This variant has not been reported in the literature in individuals affected with GLA-related conditions. Invitae Evidence Modeling of protein sequence and biophysical properties (such as structural, functional, and spatial information, amino acid conservation, physicochemical variation, residue mobility, and thermodynamic stability) indicates that this missense variant is expected to disrupt GLA protein function with a positive predictive value of 80%. This variant disrupts the p.Trp44 amino acid residue in GLA. Other variant(s) that disrupt this residue have been determined to be pathogenic (PMID: 16215932, 33437642). This suggests that this residue is clinically significant, and that variants that disrupt this residue are likely to be disease-causing. In summary, the available evidence is currently insufficient to determine the role of this variant in disease. Therefore, it has been classified as a Variant of Uncertain Significance.

Literature cited by the submitters: PubMed 16215932; PubMed 33437642.